The following is an entry in ClinVar:

NM_080473.5(GATA5):c.678C>T (p.Leu226=)

Gene: GATA5 (GATA binding protein 5; minus strand). Cytogenetic location: 20q13.33.
Variant type: single nucleotide variant.
Coding change: c.678C>T on transcript NM_080473.5 (MANE Select); coding-DNA position 678, C replaced by T.
Protein change: p.Leu226=; no amino-acid change (leucine 226 retained).
Molecular consequence: synonymous variant.
Genome position (GRCh38, 1-based): chr20:62,473,424, G>A on the plus strand (C>T on the coding strand, the complement: GATA5 is on the minus strand). VCF-style: chr20-62473424-G-A. GRCh37 (hg19) VCF-style: chr20-61048480-G-A.
Identifiers: ClinVar variation 1202971 (VCV001202971.29), dbSNP rs139428354, ClinGen allele CA9946251.

ClinVar aggregate classification (germline): Likely benign. Review status: criteria provided, multiple submitters, no conflicts (2 of 4 stars). 6 submissions from 6 submitters: Likely benign (4). 2 of the submissions do not count toward it. Last evaluated 2026-05-01.

Allele frequency attached by ClinVar (database versions not stated): ESP Exome Variant Server 0.00031; gnomAD 0.00031 and 0.00029; ExAC 0.00043; 1000 Genomes Project 30x 0.00016; 1000 Genomes Project 0.00020; TOPMed 0.00024.
gnomAD v4.1: 455 of 1,608,906 alleles (0.028%); highest among the groups gnomAD compares: Non-Finnish European, 0.037%; no homozygotes.

Submissions (6):

CeGaT Center for Human Genetics Tuebingen
Classification: Likely benign. Last evaluated: 2026-05-01. Review status: criteria provided, single submitter. Criteria: CeGaT Center For Human Genetics Tuebingen Variant Classification Criteria Version 2. Collection method: clinical testing. Allele origin: germline. Affected: yes. Observed: 3 variant alleles.
Comment: GATA5: BP4, BP7

Labcorp Genetics (formerly Invitae), Labcorp
Classification: Likely benign. Last evaluated: 2026-02-03. Review status: criteria provided, single submitter. Criteria: Invitae Variant Classification Sherloc (09022015). Collection method: clinical testing. Allele origin: germline.

Blueprint Genetics
Classification: Likely benign. Last evaluated: 2024-09-24. Review status: criteria provided, single submitter. Criteria: ACMG Guidelines, 2015. Collection method: clinical testing. Allele origin: germline.

GeneDx
Classification: Likely benign. Last evaluated: 2021-03-17. Review status: criteria provided, single submitter. Criteria: GeneDx Variant Classification Process June 2021. Collection method: clinical testing. Allele origin: germline. Affected: yes.

Clinical Genetics DNA and cytogenetics Diagnostics Lab, Erasmus MC, Erasmus Medical Center
Classification: Likely benign. Review status: no assertion criteria provided. Collection method: clinical testing. Allele origin: germline. Affected: yes. Study: VKGL Data-share Consensus. Not counted in ClinVar's aggregate classification.

Genome Diagnostics Laboratory, University Medical Center Utrecht
Classification: Likely benign. Review status: no assertion criteria provided. Collection method: clinical testing. Allele origin: germline. Affected: yes. Study: VKGL Data-share Consensus. Not counted in ClinVar's aggregate classification.